The following is an entry in ClinVar:

ClinVar aggregate classification (germline): Uncertain significance (1 of 4 stars; one submission).

gnomAD v4.1: 10 of 1,592,780 alleles (0.00063%); highest among the groups gnomAD compares: African/African-American, 0.011%; no homozygotes.

Submission:

Labcorp Genetics (formerly Invitae), Labcorp
Classification: Uncertain significance. Last evaluated: 2025-08-18. Review status: criteria provided, single submitter. Criteria: Invitae Variant Classification Sherloc (09022015). Collection method: clinical testing. Allele origin: germline.
Comment: This sequence change replaces glycine, which is neutral and non-polar, with arginine, which is basic and polar, at codon 863 of the SULF1 protein (p.Gly863Arg). This variant is present in population databases (rs148285446, gnomAD 0.008%). This variant has not been reported in the literature in individuals affected with SULF1-related conditions. ClinVar contains an entry for this variant (Variation ID: 3613460). An algorithm developed to predict the effect of missense changes on protein structure and function (PolyPhen-2) suggests that this variant is likely to be disruptive. Algorithms developed to predict the effect of sequence changes on RNA splicing suggest that this variant may create or strengthen a splice site. In summary, the available evidence is currently insufficient to determine the role of this variant in disease. Therefore, it has been classified as a Variant of Uncertain Significance.

NM_001128205.2(SULF1):c.2587G>A (p.Gly863Arg)

Gene: SULF1 (sulfatase 1; plus strand). Cytogenetic location: 8q13.3.
Variant type: single nucleotide variant.
Coding change: c.2587G>A on transcript NM_001128205.2 (MANE Select); coding-DNA position 2587, G replaced by A.
Protein change: p.Gly863Arg; replaces glycine 863 with arginine.
Molecular consequence: missense variant. On other transcripts: synonymous variant (6), non-coding transcript variant (7), 3 prime UTR variant (2).
Genome position (GRCh38, 1-based): chr8:69,658,506, G>A. VCF-style: chr8-69658506-G-A. GRCh37 (hg19) VCF-style: chr8-70570741-G-A.
Other names: c.2587G>A, p.Gly863Arg (NM_001128204.2, NM_001128206.2, NM_001412835.1 and 1 more transcripts); c.2553G>A, p.Glu851= (NM_001412828.1, NM_001412829.1, NM_001412830.1 and 1 more transcripts); c.2424G>A, p.Glu808= (NM_001412832.1); c.2530G>A, p.Gly844Arg (NM_001412836.1, NM_001412837.1); c.2458G>A, p.Gly820Arg (NM_001412838.1, NM_001412839.1, NM_001412840.1); c.2401G>A, p.Gly801Arg (NM_001412841.1, NM_001412842.1); c.1987G>A, p.Gly663Arg (NM_001412844.1, NM_001412845.1); c.762G>A, p.Glu254= (NM_001412846.1); and 1 more; short protein forms G663R, G801R, G820R, G844R, G863R.
Identifiers: ClinVar variation 3613460 (VCV003613460.2).